The following is an entry in ClinVar:

NM_006922.4(SCN3A):c.5095A>G (p.Met1699Val)

Gene: SCN3A (sodium voltage-gated channel alpha subunit 3; minus strand). Cytogenetic location: 2q24.3.
Variant type: single nucleotide variant.
Coding change: c.5095A>G on transcript NM_006922.4 (MANE Select); coding-DNA position 5095, A replaced by G.
Protein change: p.Met1699Val; replaces methionine 1699 with valine.
Molecular consequence: missense variant.
Genome position (GRCh38, 1-based): chr2:165,091,058, T>C on the plus strand (A>G on the coding strand, the complement: SCN3A is on the minus strand). VCF-style: chr2-165091058-T-C. GRCh37 (hg19) VCF-style: chr2-165947568-T-C.
Other names: c.4948A>G, p.Met1650Val (NM_001081676.2, NM_001081677.2); short protein forms M1650V, M1699V.
Identifiers: ClinVar variation 2697735 (VCV002697735.3), dbSNP rs1184347275, ClinGen allele CA349017265.

ClinVar aggregate classification (germline): Uncertain significance (1 of 4 stars; one submission).

Submission:

Labcorp Genetics (formerly Invitae), Labcorp
Classification: Uncertain significance. Last evaluated: 2023-11-20. Review status: criteria provided, single submitter. Criteria: Invitae Variant Classification Sherloc (09022015). Collection method: clinical testing. Allele origin: germline.
Comment: This sequence change replaces methionine, which is neutral and non-polar, with valine, which is neutral and non-polar, at codon 1699 of the SCN3A protein (p.Met1699Val). This variant is not present in population databases (gnomAD no frequency). This variant has not been reported in the literature in individuals affected with SCN3A-related conditions. Advanced modeling of protein sequence and biophysical properties (such as structural, functional, and spatial information, amino acid conservation, physicochemical variation, residue mobility, and thermodynamic stability) performed at Invitae indicates that this missense variant is expected to disrupt SCN3A protein function with a positive predictive value of 80%. In summary, the available evidence is currently insufficient to determine the role of this variant in disease. Therefore, it has been classified as a Variant of Uncertain Significance.